The following is an entry in ClinVar:

ClinVar aggregate classification (germline): Uncertain significance (1 of 4 stars; one submission).

Conditions:
Epileptic encephalopathy. Identifiers: MedGen C0543888, HP:0200134.

Allele frequency attached by ClinVar (database versions not stated): gnomAD exomes below 0.00001.
gnomAD v4.1: 3 of 1,614,034 alleles (0.00019%); highest among the groups gnomAD compares: South Asian, 0.0011%; no homozygotes.

Submission:

Labcorp Genetics (formerly Invitae), Labcorp
Classification: Uncertain significance for Epileptic encephalopathy. Last evaluated: 2020-03-02. Review status: criteria provided, single submitter. Criteria: Invitae Variant Classification Sherloc (09022015). Collection method: clinical testing. Allele origin: germline.
Comment: In summary, the available evidence is currently insufficient to determine the role of this variant in disease. Therefore, it has been classified as a Variant of Uncertain Significance. Algorithms developed to predict the effect of missense changes on protein structure and function are either unavailable or do not agree on the potential impact of this missense change (SIFT: "Deleterious"; PolyPhen-2: "Benign"; Align-GVGD: "Class C0"). This variant has not been reported in the literature in individuals with RYR3-related conditions. This variant is not present in population databases (ExAC no frequency). This sequence change replaces glutamic acid with lysine at codon 4457 of the RYR3 protein (p.Glu4457Lys). The glutamic acid residue is moderately conserved and there is a small physicochemical difference between glutamic acid and lysine.

NM_001036.6(RYR3):c.13369G>A (p.Glu4457Lys)

Gene: RYR3 (ryanodine receptor 3; plus strand). Cytogenetic location: 15q14.
Variant type: single nucleotide variant.
Coding change: c.13369G>A on transcript NM_001036.6 (MANE Select); coding-DNA position 13369, G replaced by A.
Protein change: p.Glu4457Lys; replaces glutamic acid 4457 with lysine.
Molecular consequence: missense variant.
Genome position (GRCh38, 1-based): chr15:33,844,934, G>A. VCF-style: chr15-33844934-G-A. GRCh37 (hg19) VCF-style: chr15-34137135-G-A.
Other names: c.13354G>A, p.Glu4452Lys (NM_001243996.4); short protein forms E4452K, E4457K.
Identifiers: ClinVar variation 1004744 (VCV001004744.8), dbSNP rs2078620314, ClinGen allele CA391598601.